The following is an entry in ClinVar:

NM_000433.4(NCF2):c.1342A>G (p.Asn448Asp)

Gene: NCF2 (neutrophil cytosolic factor 2; minus strand). Cytogenetic location: 1q25.3.
Variant type: single nucleotide variant.
Coding change: c.1342A>G on transcript NM_000433.4 (MANE Select); coding-DNA position 1342, A replaced by G.
Protein change: p.Asn448Asp; replaces asparagine 448 with aspartic acid.
Molecular consequence: missense variant.
Genome position (GRCh38, 1-based): chr1:183,560,222, T>C on the plus strand (A>G on the coding strand, the complement: NCF2 is on the minus strand). VCF-style: chr1-183560222-T-C. GRCh37 (hg19) VCF-style: chr1-183529357-T-C.
Other names: c.1342A>G, p.Asn448Asp (NM_001127651.3); c.1099A>G, p.Asn367Asp (NM_001190789.2); c.1207A>G, p.Asn403Asp (NM_001190794.2); short protein forms N367D, N403D, N448D.
Identifiers: ClinVar variation 1166381 (VCV001166381.12), dbSNP rs141569987, ClinGen allele CA1284605.

ClinVar aggregate classification (germline): Benign. Review status: criteria provided, multiple submitters, no conflicts (2 of 4 stars). 4 submissions from 4 submitters: Benign (3). 1 of the submissions does not count toward it. Last evaluated 2026-01-30.

Conditions:
NCF2-related disorder. Also called: NCF2-related condition.
Granulomatous disease, chronic, autosomal recessive, cytochrome b-positive, type 2. Also called: GRANULOMATOUS DISEASE, CHRONIC, AUTOSOMAL RECESSIVE, 2; Chronic granulomatous disease due to deficiency of NCF-2; GRANULOMATOUS DISEASE, CHRONIC, DUE TO NCF2 DEFICIENCY; Chronic Granulomatous Disease, Autosomal Recessive, Cytochrome b-Positive, Type II; CGD, AUTOSOMAL RECESSIVE CYTOCHROME b-POSITIVE, TYPE II. Identifiers: Orphanet 379, MedGen C1856245, MONDO:0009310, OMIM 233710.

Allele frequency attached by ClinVar (database versions not stated): TOPMed 0.00006; gnomAD 0.00009 and 0.00020; ESP Exome Variant Server 0.00015; gnomAD exomes 0.00020 and 0.00038; 1000 Genomes Project 0.00040; ExAC 0.00046; 1000 Genomes Project 30x 0.00047.
gnomAD v4.1: 316 of 1,614,230 alleles (0.02%); highest among the groups gnomAD compares: South Asian, 0.27%; 3 homozygotes.

Submissions (4):

Labcorp Genetics (formerly Invitae), Labcorp
Classification: Benign for Granulomatous disease, chronic, autosomal recessive, cytochrome b-positive, type 2. Last evaluated: 2026-01-30. Review status: criteria provided, single submitter. Criteria: Invitae Variant Classification Sherloc (09022015). Collection method: clinical testing. Allele origin: germline.

Women's Health and Genetics/Laboratory Corporation of America, LabCorp
Classification: Benign. Last evaluated: 2022-03-08. Review status: criteria provided, single submitter. Criteria: LabCorp Variant Classification Summary - May 2015. Collection method: clinical testing. Allele origin: germline.
Comment: Variant summary: NCF2 c.1342A>G (p.Asn448Asp) results in a conservative amino acid change in the encoded protein sequence. Five of five in-silico tools predict a benign effect of the variant on protein function. The variant allele was found at a frequency of 0.00038 in 251456 control chromosomes, predominantly at a frequency of 0.0027 within the South Asian subpopulation in the gnomAD database, including 1 homozygote. The observed variant frequency within South Asian control individuals in the gnomAD database is approximately 4.4 fold of the estimated maximal expected allele frequency for a pathogenic variant in NCF2 causing Chronic Granulomatous Disease phenotype (0.00061), strongly suggesting that the variant is a benign polymorphism found primarily in populations of South Asian origin. To our knowledge, no penetrant association of c.1342A>G in individuals affected with Chronic Granulomatous Disease and no experimental evidence demonstrating its impact on protein function have been reported. One clinical diagnostic laboratory has submitted clinical-significance assessments for this variant to ClinVar after 2014 without evidence for independent evaluation and classified the variant as benign. Based on the evidence outlined above, the variant was classified as benign.

Breakthrough Genomics
Classification: Benign. Review status: criteria provided, single submitter. Criteria: ACMG Guidelines, 2015. Collection method: not provided. Allele origin: germline. Inheritance: Autosomal recessive inheritance. Affected: yes.

PreventionGenetics, part of Exact Sciences
Classification: Likely benign for NCF2-related condition. Last evaluated: 2024-07-01. Review status: no assertion criteria provided. Collection method: clinical testing. Allele origin: germline. Not counted in ClinVar's aggregate classification.
Comment: This variant is classified as likely benign based on ACMG/AMP sequence variant interpretation guidelines (Richards et al. 2015 PMID: 25741868, with internal and published modifications).